The following is an entry in ClinVar:

ClinVar aggregate classification (germline): Likely pathogenic. Review status: criteria provided, multiple submitters, no conflicts (2 of 4 stars). 3 submissions from 3 submitters: Likely pathogenic (3). Last evaluated 2025-09-10.

Conditions:
Cardiovascular phenotype. Identifiers: MedGen CN230736.
Hereditary cancer-predisposing syndrome. Also called: Neoplastic Syndromes, Hereditary; Tumor predisposition; Hereditary Cancer Syndrome; Hereditary neoplastic syndrome. Identifiers: Orphanet 140162, MedGen C0027672, MeSH D009386, MONDO:0015356.
LZTR1-related schwannomatosis. Also called: Schwannomatosis 2; Schwannomatosis-2, susceptibility to. Identifiers: Orphanet 93921, MedGen C3810283, MONDO:0014299, OMIM 615670.

Submissions (3):

Genomic Medicine Center of Excellence, King Faisal Specialist Hospital and Research Centre
Classification: Likely pathogenic for LZTR1-related schwannomatosis. Last evaluated: 2025-09-10. Review status: criteria provided, single submitter. Criteria: ACMG Guidelines, 2015. Collection method: clinical testing. Allele origin: germline.

Ambry Genetics
Classification: Likely pathogenic for Cardiovascular phenotype; Hereditary cancer-predisposing syndrome. Last evaluated: 2024-09-04. Review status: criteria provided, single submitter. Criteria: Ambry Variant Classification Scheme 2023. Collection method: clinical testing. Allele origin: germline.
Comment: The c.401-2A>C intronic variant results from an A to C substitution two nucleotides upstream from coding exon 5 in the LZTR1 gene. This variant is considered to be rare based on population cohorts in the Genome Aggregation Database (gnomAD). This nucleotide position is highly conserved in available vertebrate species. In silico splice site analysis predicts that this alteration will weaken the native splice acceptor site and may result in the creation or strengthening of a novel splice acceptor site; however, direct evidence is insufficient at this time (Ambry internal data). Alterations that disrupt the canonical splice site are expected to cause aberrant splicing, resulting in an abnormal protein or a transcript that is subject to nonsense-mediated mRNA decay. Loss-of-function variants in LZTR1 are related to an increased risk for schwannomas and autosomal recessive Noonan syndrome; however, such associations with autosomal dominant Noonan syndrome have not been observed (Piotrowski A et al. Nat Genet. 2014 Feb;46:182-7; Yamamoto GL et al. J Med Genet. 2015 Jun;52:413-21; Johnston JJ et al. Genet Med. 2018 10;20:1175-1185). Based on the supporting evidence, this variant is likely pathogenic for an increased risk of LZTR1-related schwannomatosis (SWN) and would be expected to cause autosomal recessive Noonan syndrome when present along with a second pathogenic or likely pathogenic variant on the other allele; however, the association of this alteration with autosomal dominant Noonan syndrome is unlikely.

Baylor Genetics
Classification: Likely pathogenic for LZTR1-related schwannomatosis. Last evaluated: 2023-06-06. Review status: criteria provided, single submitter. Criteria: ACMG Guidelines, 2015. Collection method: clinical testing. Allele origin: unknown.

NM_006767.4(LZTR1):c.401-2A>C

Gene: LZTR1 (leucine zipper like post translational regulator 1; plus strand). Cytogenetic location: 22q11.21.
Variant type: single nucleotide variant.
Coding change: c.401-2A>C on transcript NM_006767.4 (MANE Select); the canonical splice acceptor site of the intron before coding-DNA position 401, A replaced by C.
Molecular consequence: splice acceptor variant.
Genome position (GRCh38, 1-based): chr22:20,988,008, A>C. VCF-style: chr22-20988008-A-C. GRCh37 (hg19) VCF-style: chr22-21342297-A-C.
Other names: c.401-2A>C (NM_006767.3).
Identifiers: ClinVar variation 2676409 (VCV002676409.3), dbSNP rs1222197005, ClinGen allele CA410779555.